The following is an entry in ClinVar:

ClinVar aggregate classification (germline): Benign/Likely benign. Review status: criteria provided, multiple submitters, no conflicts (2 of 4 stars). 2 submissions from 2 submitters: Benign (1); Likely benign (1). Last evaluated 2026-07-01.

Allele frequency attached by ClinVar (database versions not stated): ExAC 0.00004; gnomAD 0.00004; TOPMed 0.00007.
gnomAD v4.1: 75 of 1,613,960 alleles (0.0046%); highest among the groups gnomAD compares: Middle Eastern, 0.016%; no homozygotes.

Submissions (2):

CeGaT Center for Human Genetics Tuebingen
Classification: Likely benign. Last evaluated: 2026-07-01. Review status: criteria provided, single submitter. Criteria: CeGaT Center For Human Genetics Tuebingen Variant Classification Criteria Version 2. Collection method: clinical testing. Allele origin: germline. Affected: yes. Observed: 1 variant allele.
Comment: SETD5: BP4, BP7

Labcorp Genetics (formerly Invitae), Labcorp
Classification: Benign. Last evaluated: 2025-01-27. Review status: criteria provided, single submitter. Criteria: Invitae Variant Classification Sherloc (09022015). Collection method: clinical testing. Allele origin: germline.

NM_001080517.3(SETD5):c.3345G>A (p.Val1115=)

Gene: SETD5 (SET domain containing 5; plus strand). Cytogenetic location: 3p25.3.
Variant type: single nucleotide variant.
Coding change: c.3345G>A on transcript NM_001080517.3 (MANE Select); coding-DNA position 3345, G replaced by A.
Protein change: p.Val1115=; no amino-acid change (valine 1115 retained).
Molecular consequence: synonymous variant.
Genome position (GRCh38, 1-based): chr3:9,473,385, G>A. VCF-style: chr3-9473385-G-A. GRCh37 (hg19) VCF-style: chr3-9515069-G-A.
Other names: c.3051G>A, p.Val1017= (NM_001292043.2, NM_001349451.2).
Identifiers: ClinVar variation 1925712 (VCV001925712.6), dbSNP rs771111400, ClinGen allele CA2239674.